The following is an entry in ClinVar:

ClinVar aggregate classification (germline): Benign/Likely benign. Review status: criteria provided, multiple submitters, no conflicts (2 of 4 stars). 24 submissions from 22 submitters: Benign (17); Likely benign (3). 4 of the submissions do not count toward it. Last evaluated 2026-07-01.

Conditions:
Adult hypophosphatasia. Identifiers: Orphanet 247676, Orphanet 436, MedGen C0268413, MONDO:1010154, OMIM 146300, MONDO:0007798.
Childhood hypophosphatasia. Identifiers: Orphanet 247667, Orphanet 436, MedGen C0220743, MONDO:1010168, OMIM 241510, MONDO:0009428.
Infantile hypophosphatasia. Identifiers: Orphanet 247651, Orphanet 436, MedGen C0268412, MONDO:1010169, OMIM 241500, MONDO:0009427.
Hypophosphatasia. Also called: Phosphoethanol-aminuria. Identifiers: Orphanet 436, MedGen C0020630, MeSH D007014, MONDO:0018570.
Osteogenesis imperfecta (OI). Identifiers: Orphanet 666, MedGen C0029434, MeSH D010013, MONDO:0019019.

Allele frequency attached by ClinVar (database versions not stated): gnomAD 0.00814 and 0.00894; gnomAD exomes 0.01152; TOPMed 0.00791; ExAC 0.01145; 1000 Genomes Project 0.01038; ESP Exome Variant Server 0.01053; 1000 Genomes Project 30x 0.01124.
gnomAD v4.1: 20,661 of 1,612,314 alleles (1.3%); highest among the groups gnomAD compares: South Asian, 3%; 226 homozygotes.

Submissions (24):

CeGaT Center for Human Genetics Tuebingen
Classification: Benign. Last evaluated: 2026-07-01. Review status: criteria provided, single submitter. Criteria: CeGaT Center For Human Genetics Tuebingen Variant Classification Criteria Version 2. Collection method: clinical testing. Allele origin: germline. Affected: yes. Observed: 16 variant alleles.
Comment: ALPL: PM5, BP4, BS1, BS2

Labcorp Genetics (formerly Invitae), Labcorp
Classification: Benign. Last evaluated: 2026-02-04. Review status: criteria provided, single submitter. Criteria: Invitae Variant Classification Sherloc (09022015). Collection method: clinical testing. Allele origin: germline.

Genomenon, Inc
Classification: Benign for Hypophosphatasia. Last evaluated: 2025-08-29. Review status: criteria provided, single submitter. Criteria: Genomenon Sequence Variant Interpretation Standards. Collection method: curation. Allele origin: germline. Affected: no.
Comment: ALPL c.455G>A is a missense variant that changes the amino acid at residue 152 from Arginine to Histidine. This variant is present at high allele frequency in population databases. In conclusion, we classify ALPL p.Arg152His (c.455G>A) as a benign variant.

ARUP Laboratories, Molecular Genetics and Genomics, ARUP Laboratories
Classification: Benign. Last evaluated: 2025-03-07. Review status: criteria provided, single submitter. Criteria: ARUP Molecular Germline Variant Investigation Process 2024. Collection method: clinical testing. Allele origin: germline.

JKU Lab, Dept of Paediatrics, Johannes Kepler University
Classification: Benign for Hypophosphatasia. Last evaluated: 2025-02-27. Review status: criteria provided, single submitter. Criteria: ACMG Guidelines, 2015. Collection method: clinical testing. Allele origin: germline. Affected: yes.
Comment: This variant is present in GnomAD 4.1 (f = 0.01281) and affects no functional domain. The variant is not predicted to affect protein function (REVEL score: 0.2619). Splice-prediction algorithms predict no effect on splicing. In vitro functional studies were not required. This variant has been reported in the literature in individuals affected with ALPL-related conditions. The applied ACMG criteria can be viewed at an online resource

Blueprint Genetics
Classification: Likely benign. Last evaluated: 2024-11-26. Review status: criteria provided, single submitter. Criteria: ACMG Guidelines, 2015. Collection method: clinical testing. Allele origin: germline.

Mayo Clinic Laboratories, Mayo Clinic
Classification: Benign. Last evaluated: 2023-01-11. Review status: criteria provided, single submitter. Criteria: ACMG Guidelines, 2015. Collection method: clinical testing. Allele origin: germline. Observed: 6 variant alleles.
Comment: BS1, BS2, BS3

Genome Diagnostics Laboratory, The Hospital for Sick Children
Classification: Benign for Osteogenesis imperfecta. Last evaluated: 2021-12-18. Review status: criteria provided, single submitter. Criteria: ACMG Guidelines, 2015. Collection method: clinical testing. Allele origin: germline.

Fulgent Genetics
Classification: Benign for Adult hypophosphatasia; Infantile hypophosphatasia; Childhood hypophosphatasia. Last evaluated: 2021-07-07. Review status: criteria provided, single submitter. Criteria: ACMG Guidelines, 2015. Collection method: clinical testing. Allele origin: unknown.

Genome-Nilou Lab
Classification: Benign for Infantile hypophosphatasia. Last evaluated: 2021-07-01. Review status: criteria provided, single submitter. Criteria: ACMG Guidelines, 2015. Collection method: clinical testing. Allele origin: germline. Affected: no.

Genome-Nilou Lab
Classification: Benign for Childhood hypophosphatasia. Last evaluated: 2021-07-01. Review status: criteria provided, single submitter. Criteria: ACMG Guidelines, 2015. Collection method: clinical testing. Allele origin: germline. Affected: no.

Genome-Nilou Lab
Classification: Benign for Adult hypophosphatasia. Last evaluated: 2021-07-01. Review status: criteria provided, single submitter. Criteria: ACMG Guidelines, 2015. Collection method: clinical testing. Allele origin: germline. Affected: no.

GeneDx
Classification: Benign. Last evaluated: 2018-10-19. Review status: criteria provided, single submitter. Criteria: GeneDx Variant Classification Process June 2021. Collection method: clinical testing. Allele origin: germline. Affected: yes.
Comment: This variant is associated with the following publications: (PMID: 32160374, 31793067, 28492530, 27884173, 21228398, 11438998, 22995991, 21956185, 25023282)

Illumina Laboratory Services, Illumina
Classification: Benign for Hypophosphatasia. Last evaluated: 2018-03-06. Review status: criteria provided, single submitter. Criteria: ICSL Variant Classification Criteria 13 December 2019. Collection method: clinical testing. Allele origin: germline.
Comment: This variant was observed in the ICSL laboratory as part of a predisposition screen in an ostensibly healthy population. It had not been previously curated by ICSL or reported in the Human Gene Mutation Database (HGMD: prior to June 1st, 2018), and was therefore a candidate for classification through an automated scoring system. Utilizing variant allele frequency, disease prevalence and penetrance estimates, and inheritance mode, an automated score was calculated to assess if this variant is too frequent to cause the disease. Based on the score and internal cut-off values, a variant classified as benign is not then subjected to further curation. The score for this variant resulted in a classification of benign for this disease.

Athena Diagnostics
Classification: Benign. Last evaluated: 2017-07-14. Review status: criteria provided, single submitter. Criteria: Athena Diagnostics Criteria. Collection method: clinical testing. Allele origin: germline.

Laboratory for Molecular Medicine, Mass General Brigham Personalized Medicine
Classification: Benign. Last evaluated: 2016-03-28. Review status: criteria provided, single submitter. Criteria: LMM Criteria. Collection method: clinical testing. Allele origin: germline.
Comment: Variant identified in a genome or exome case(s) and assessed due to predicted null impact of the variant or pathogenic assertions in the literature or databases. Disclaimer: This variant has not undergone full assessment. The following are preliminary notes: Frequency, gene and variant associated with hypophosphatasia

Eurofins Ntd Llc (ga)
Classification: Benign. Last evaluated: 2015-03-12. Review status: criteria provided, single submitter. Criteria: EGL Classification Definitions 2015. Collection method: clinical testing. Allele origin: germline. Observed: 3 variant alleles, 3 heterozygotes.

Center for Pediatric Genomic Medicine, Children's Mercy Hospital and Clinics
Classification: Benign. Last evaluated: 2014-12-09. Review status: criteria provided, single submitter. Criteria: ACMG Guidelines, 2015. Collection method: clinical testing. Allele origin: germline.

Breakthrough Genomics
Classification: Likely benign. Review status: criteria provided, single submitter. Criteria: ACMG Guidelines, 2015. Collection method: not provided. Allele origin: germline. Inheritance: Autosomal recessive inheritance. Affected: yes.

PreventionGenetics, part of Exact Sciences
Classification: Likely benign. Review status: criteria provided, single submitter. Criteria: ACMG Guidelines, 2015. Collection method: clinical testing. Allele origin: germline.

Natera, Inc.
Classification: Benign for Hypophosphatasia. Last evaluated: 2020-09-16. Review status: no assertion criteria provided. Collection method: clinical testing. Allele origin: germline. Not counted in ClinVar's aggregate classification.

GeneReviews
No classification provided. Condition: Hypophosphatasia. Review status: no classification provided. Collection method: literature only. Allele origin: germline. Affected: yes. Not counted in ClinVar's aggregate classification.

Genome Diagnostics Laboratory, Amsterdam University Medical Center
Classification: Benign. Review status: no assertion criteria provided. Collection method: clinical testing. Allele origin: germline. Affected: yes. Study: VKGL Data-share Consensus. Not counted in ClinVar's aggregate classification.

Laboratory of Diagnostic Genome Analysis, Leiden University Medical Center (LUMC)
Classification: Likely benign. Review status: no assertion criteria provided. Collection method: clinical testing. Allele origin: germline. Affected: yes. Study: VKGL Data-share Consensus. Not counted in ClinVar's aggregate classification.

Literature cited by the submitters: PubMed 34854399 (cited by JKU Lab, Dept of Paediatrics, Johannes Kepler University); PubMed 17229666 (cited by JKU Lab, Dept of Paediatrics, Johannes Kepler University and Athena Diagnostics); PubMed 31485555 (cited by JKU Lab, Dept of Paediatrics, Johannes Kepler University); PubMed 31793067 (cited by JKU Lab, Dept of Paediatrics, Johannes Kepler University and Mayo Clinic Laboratories, Mayo Clinic); PubMed 34213743 (cited by JKU Lab, Dept of Paediatrics, Johannes Kepler University); PubMed 31666285 (cited by JKU Lab, Dept of Paediatrics, Johannes Kepler University); PubMed 34097127 (cited by JKU Lab, Dept of Paediatrics, Johannes Kepler University); PubMed 30680361 (cited by JKU Lab, Dept of Paediatrics, Johannes Kepler University); PubMed 27920814 (cited by JKU Lab, Dept of Paediatrics, Johannes Kepler University and Athena Diagnostics); PubMed 33852075 (cited by JKU Lab, Dept of Paediatrics, Johannes Kepler University); PubMed 11438998 (cited by 3 submitters); PubMed 21956185 (cited by Mayo Clinic Laboratories, Mayo Clinic and Athena Diagnostics); PubMed 32160374 (cited by Mayo Clinic Laboratories, Mayo Clinic); PubMed 26272126 (cited by Athena Diagnostics); PubMed 11855933 (cited by Athena Diagnostics); PubMed 27884173 (cited by Athena Diagnostics); PubMed 21228398 (cited by Athena Diagnostics); PubMed 22995991 (cited by Athena Diagnostics); PubMed 28492530 (cited by Athena Diagnostics); PubMed 25023282 (cited by Athena Diagnostics); NCBI Bookshelf NBK1150 (cited by GeneReviews).

NM_000478.6(ALPL):c.455G>A (p.Arg152His)

Gene: ALPL (alkaline phosphatase, biomineralization associated; plus strand). Cytogenetic location: 1p36.12.
Variant type: single nucleotide variant.
Coding change: c.455G>A on transcript NM_000478.6 (MANE Select); coding-DNA position 455, G replaced by A.
Protein change: p.Arg152His; replaces arginine 152 with histidine.
Molecular consequence: missense variant.
Genome position (GRCh38, 1-based): chr1:21,563,267, G>A. VCF-style: chr1-21563267-G-A. GRCh37 (hg19) VCF-style: chr1-21889760-G-A.
Other names: c.290G>A, p.Arg97His (NM_001127501.4); c.224G>A, p.Arg75His (NM_001177520.3); c.455G>A, p.Arg152His (NM_001369803.2, NM_001369804.2, NM_001369805.2); short protein forms R152H, R75H, R97H.
Identifiers: ClinVar variation 197679 (VCV000197679.73), dbSNP rs149344982, ClinGen allele CA203017.